The following is an entry in ClinVar:

ClinVar aggregate classification (germline): Uncertain significance. Review status: criteria provided, multiple submitters, no conflicts (2 of 4 stars). 2 submissions from 2 submitters: Uncertain significance (2). Last evaluated 2024-02-27.

Allele frequency attached by ClinVar (database versions not stated): gnomAD exomes below 0.00001; ExAC 0.00002; gnomAD 0.00002; TOPMed 0.00003; ESP Exome Variant Server 0.00008.
gnomAD v4.1: 7 of 1,613,004 alleles (0.00043%); highest among the groups gnomAD compares: African/African-American, 0.0094%; no homozygotes.

Submissions (2):

Labcorp Genetics (formerly Invitae), Labcorp
Classification: Uncertain significance. Last evaluated: 2024-02-27. Review status: criteria provided, single submitter. Criteria: Invitae Variant Classification Sherloc (09022015). Collection method: clinical testing. Allele origin: germline.
Comment: This sequence change replaces isoleucine, which is neutral and non-polar, with valine, which is neutral and non-polar, at codon 214 of the BUB1 protein (p.Ile214Val). This variant is present in population databases (rs370987761, gnomAD 0.02%). This variant has not been reported in the literature in individuals affected with BUB1-related conditions. ClinVar contains an entry for this variant (Variation ID: 1753363). Experimental studies and prediction algorithms are not available or were not evaluated, and the functional significance of this variant is currently unknown. In summary, the available evidence is currently insufficient to determine the role of this variant in disease. Therefore, it has been classified as a Variant of Uncertain Significance.

Ambry Genetics
Classification: Uncertain significance. Last evaluated: 2023-11-22. Review status: criteria provided, single submitter. Criteria: Ambry Variant Classification Scheme 2023. Collection method: clinical testing. Allele origin: germline.
Comment: The p.I214V variant (also known as c.640A>G), located in coding exon 8 of the BUB1 gene, results from an A to G substitution at nucleotide position 640. The isoleucine at codon 214 is replaced by valine, an amino acid with highly similar properties. This amino acid position is conserved. In addition, this alteration is predicted to be tolerated by in silico analysis. Since supporting evidence is limited at this time, the clinical significance of this alteration remains unclear.

NM_004336.5(BUB1):c.640A>G (p.Ile214Val)

Gene: BUB1 (BUB1 mitotic checkpoint serine/threonine kinase; minus strand). Cytogenetic location: 2q13.
Variant type: single nucleotide variant.
Coding change: c.640A>G on transcript NM_004336.5 (MANE Select); coding-DNA position 640, A replaced by G.
Protein change: p.Ile214Val; replaces isoleucine 214 with valine.
Molecular consequence: missense variant.
Genome position (GRCh38, 1-based): chr2:110,667,686, T>C on the plus strand (A>G on the coding strand, the complement: BUB1 is on the minus strand). VCF-style: chr2-110667686-T-C. GRCh37 (hg19) VCF-style: chr2-111425263-T-C.
Other names: c.580A>G, p.Ile194Val (NM_001278616.2); c.640A>G, p.Ile214Val (NM_001278617.2); short protein forms I194V, I214V.
Identifiers: ClinVar variation 1753363 (VCV001753363.4), dbSNP rs370987761, ClinGen allele CA1828282.